The following is an entry in ClinVar:

ClinVar aggregate classification (germline): Conflicting classifications of pathogenicity. Review status: criteria provided, conflicting classifications (1 of 4 stars). 11 submissions from 11 submitters: Uncertain significance (8); Benign (1). 2 of the submissions do not count toward it. Last evaluated 2025-09-07.

Conditions:
BRCA1-related disorder. Also called: BRCA1-related condition.
Hereditary cancer-predisposing syndrome. Also called: Tumor predisposition; Neoplastic Syndromes, Hereditary; Hereditary Cancer Syndrome; Hereditary neoplastic syndrome. Identifiers: Orphanet 140162, MedGen C0027672, MeSH D009386, MONDO:0015356.
Hereditary breast ovarian cancer syndrome. Also called: Hereditary breast and ovarian cancer syndrome (HBOC); Hereditary breast and ovarian cancer syndrome; Hereditary breast and ovarian cancer; Hereditary breast and/or ovarian cancer syndrome; Breast and ovarian cancer; BRCA1- and BRCA2-Associated Hereditary Breast and Ovarian Cancer. Identifiers: Orphanet 145, MedGen C0677776, MeSH D061325, MONDO:0003582. Disease mechanism: loss of function.
Breast-ovarian cancer, familial, susceptibility to, 1 (BROVCA1). Also called: OVARIAN CANCER, SUSCEPTIBILITY TO; BRCA1 Hereditary Breast and Ovarian Cancer. Identifiers: Orphanet 145, MedGen C2676676, MONDO:0011450, OMIM 604370. Disease mechanism: loss of function.
Endometrial carcinoma. Also called: Endometrial carcinoma, somatic. Identifiers: MedGen C0476089, MONDO:0002447, OMIM 608089, HP:0012114.

gnomAD v4.1: 4 of 1,612,740 alleles (0.00025%); highest among the groups gnomAD compares: Non-Finnish European, 0.00034%; no homozygotes.

Submissions (11):

Labcorp Genetics (formerly Invitae), Labcorp
Classification: Uncertain significance for Hereditary breast ovarian cancer syndrome. Last evaluated: 2025-09-07. Review status: criteria provided, single submitter. Criteria: Invitae Variant Classification Sherloc (09022015). Collection method: clinical testing. Allele origin: germline.
Comment: This sequence change replaces glutamic acid, which is acidic and polar, with alanine, which is neutral and non-polar, at codon 111 of the BRCA1 protein (p.Glu111Ala). This variant is not present in population databases (gnomAD no frequency). This missense change has been observed in individual(s) with personal or family history of breast cancer (PMID: 36881271). ClinVar contains an entry for this variant (Variation ID: 54844). Invitae Evidence Modeling of protein sequence and biophysical properties (such as structural, functional, and spatial information, amino acid conservation, physicochemical variation, residue mobility, and thermodynamic stability) has been performed for this missense variant. However, the output from this modeling did not meet the statistical confidence thresholds required to predict the impact of this variant on BRCA1 protein function. In summary, the available evidence is currently insufficient to determine the role of this variant in disease. Therefore, it has been classified as a Variant of Uncertain Significance.

Ambry Genetics
Classification: Uncertain significance for Hereditary cancer-predisposing syndrome. Last evaluated: 2025-08-21. Review status: criteria provided, single submitter. Criteria: Ambry Variant Classification Scheme 2023. Collection method: clinical testing. Allele origin: germline.
Comment: The p.E111A variant (also known as c.332A>C), located in coding exon 5 of the BRCA1 gene, results from an A to C substitution at nucleotide position 332. The glutamic acid at codon 111 is replaced by alanine, an amino acid with dissimilar properties. This amino acid position is not well conserved in available vertebrate species. In addition, the in silico prediction for this alteration is inconclusive. Based on the available evidence, the clinical significance of this variant remains unclear.

PreventionGenetics, part of Exact Sciences
Classification: Uncertain significance for BRCA1-related condition. Last evaluated: 2025-01-03. Review status: criteria provided, single submitter. Criteria: ACMG Guidelines, 2015. Collection method: clinical testing. Allele origin: germline.
Comment: The BRCA1 c.332A>C variant is predicted to result in the amino acid substitution p.Glu111Ala. This variant has been reported in study of individuals from Brazil who either had a personal or family history of breast and/or ovarian cancer (Mazzonetto et al. 2023. PubMed ID: 36881271). This variant has not been reported in a large population database (gnomAD), indicating this variant is rare, and is reported as a variant of uncertain significance by the majority of submitters in ClinVar. At this time, the clinical significance of this variant is uncertain due to the absence of conclusive functional and genetic evidence.

Myriad Genetics, Inc.
Classification: Benign for Breast-ovarian cancer, familial, susceptibility to, 1. Last evaluated: 2024-03-11. Review status: criteria provided, single submitter. Criteria: Myriad Autosomal Dominant, Autosomal Recessive and X-Linked Classification Criteria (2023). Collection method: clinical testing. Allele origin: unknown.
Comment: This variant is considered benign. This variant been observed in trans with a known pathogenic variant in one or more individuals. Compound heterozygosity for pathogenic variants in this gene is generally assumed to result in embryonic lethality. This variant is strongly associated with less severe personal and family histories of cancer, typical for individuals without pathogenic variants in this gene [PMID: 25085752].

All of Us Research Program, National Institutes of Health
Classification: Uncertain significance for Breast-ovarian cancer, familial, susceptibility to, 1. Last evaluated: 2023-05-04. Review status: criteria provided, single submitter. Criteria: ACMG Guidelines, 2015. Collection method: clinical testing. Allele origin: germline. Inheritance: Autosomal dominant inheritance. Observed: 2 variant alleles, 2 heterozygotes.
Comment: This missense variant replaces glutamic acid with alanine at codon 111 of the BRCA1 protein. Computational prediction is inconclusive regarding the impact of this variant on protein structure and function (internally defined REVEL score threshold 0.5 < inconclusive < 0.7, PMID: 27666373). To our knowledge, functional studies have not been reported for this variant. This variant has been detected in a breast cancer case-control meta-analysis in 0/60466 cases and 1/53461 unaffected individuals (PMID: 33471991; Leiden Open Variation Database DB-ID BRCA1_006581). A multifactorial analysis has reported likelihood ratios for pathogenicity based on co-occurrence with a pathogenic covariant and family history of 1.0331 and 0.6418, respectively. This variant has not been identified in the general population by the Genome Aggregation Database (gnomAD). The available evidence is insufficient to determine the role of this variant in disease conclusively. Therefore, this variant is classified as a Variant of Uncertain Significance.

This study involves interpretation of variants in research participants for the purpose of population health screening. Participant phenotype was not available at the time of variant classification. Additional details can be found in publication PMID: 35346344, PMCID: PMC8962531

Color Diagnostics, LLC DBA Color Health
Classification: Uncertain significance for Hereditary cancer-predisposing syndrome. Last evaluated: 2023-04-10. Review status: criteria provided, single submitter. Criteria: ACMG Guidelines, 2015. Collection method: clinical testing. Allele origin: germline.
Comment: This missense variant replaces glutamic acid with alanine at codon 111 of the BRCA1 protein. Computational prediction is inconclusive regarding the impact of this variant on protein structure and function (internally defined REVEL score threshold 0.5 < inconclusive < 0.7, PMID: 27666373). To our knowledge, functional studies have not been reported for this variant. This variant has been detected in a breast cancer case-control meta-analysis in 0/60466 cases and 1/53461 unaffected individuals (PMID: 33471991; Leiden Open Variation Database DB-ID BRCA1_006581). A multifactorial analysis has reported likelihood ratios for pathogenicity based on co-occurrence with a pathogenic covariant and family history of 1.0331 and 0.6418, respectively. This variant has not been identified in the general population by the Genome Aggregation Database (gnomAD). The available evidence is insufficient to determine the role of this variant in disease conclusively. Therefore, this variant is classified as a Variant of Uncertain Significance.

Human Genetics Bochum, Ruhr University Bochum
Classification: Uncertain significance for Endometrial carcinoma. Last evaluated: 2022-08-15. Review status: criteria provided, single submitter. Criteria: ACMG Guidelines, 2015. Collection method: clinical testing. Allele origin: germline. Affected: yes.
Comment: ACMG criteria used to clasify this variant: PM5, PM2, BS3

Mendelics
Classification: Uncertain significance. Last evaluated: 2022-05-04. Review status: criteria provided, single submitter. Criteria: Mendelics Assertion Criteria 2019. Collection method: clinical testing. Allele origin: germline.

GeneDx
Classification: Uncertain significance. Last evaluated: 2021-03-10. Review status: criteria provided, single submitter. Criteria: GeneDx Variant Classification Process June 2021. Collection method: clinical testing. Allele origin: germline. Affected: yes.
Comment: Not observed in large population cohorts (Lek 2016); In silico analysis supports that this missense variant does not alter protein structure/function; Also known as 451A>C; Observed in individuals referred for hereditary breast and ovarian cancer testing (Pedersen 2018); This variant is associated with the following publications: (PMID: 23704879, 31131967, 29168416)

MVZ Praenatalmedizin und Genetik Nuernberg
Classification: Uncertain significance for Breast-ovarian cancer, familial, susceptibility to, 1. Last evaluated: 2018-05-01. Review status: no assertion criteria provided. Collection method: clinical testing. Allele origin: germline. Inheritance: Autosomal dominant inheritance. Affected: no. Observed: 1 variant allele, 1 hemizygote. Not counted in ClinVar's aggregate classification.
Comment: This rare variant (gnomAD) was found in different databases with uncertain significance. In silico analyses show contradictory results. Therefore we rate this variant as Variant of unknown significance (VUS). Therefore the missense variant c.332A>C was found to be hemizygous and disagrees with a pathogenic effect.

Breast Cancer Information Core (BIC) (BRCA1)
Classification: Uncertain significance for Breast-ovarian cancer, familial 1. Last evaluated: 2004-02-20. Review status: no assertion criteria provided. Collection method: clinical testing. Allele origin: germline. Affected: yes. Observed: 1 variant allele. Not counted in ClinVar's aggregate classification.

Literature cited by the submitters: PubMed 36881271 (cited by Labcorp Genetics (formerly Invitae), Labcorp); PubMed 29168416 (cited by Ambry Genetics); PubMed 25085752 (cited by Myriad Genetics, Inc.); PubMed 33471991 (cited by All of Us Research Program, National Institutes of Health and Color Diagnostics, LLC DBA Color Health).

NM_007294.4(BRCA1):c.332A>C (p.Glu111Ala)

Gene: BRCA1 (BRCA1 DNA repair associated; minus strand). Cytogenetic location: 17q21.31.
Variant type: single nucleotide variant.
Coding change: c.332A>C on transcript NM_007294.4 (MANE Select); coding-DNA position 332, A replaced by C.
Protein change: p.Glu111Ala; replaces glutamic acid 111 with alanine.
Molecular consequence: missense variant. On other transcripts: non-coding transcript variant (1).
Genome position (GRCh38, 1-based): chr17:43,104,231, T>G on the plus strand (A>C on the coding strand, the complement: BRCA1 is on the minus strand). VCF-style: chr17-43104231-T-G. GRCh37 (hg19) VCF-style: chr17-41256248-T-G.
Other names: c.122A>C, p.Glu41Ala (NM_001407571.1, NM_001407853.1, NM_001407879.1 and 58 more transcripts); c.332A>C, p.Glu111Ala (NM_001407581.1, NM_001407582.1, NM_001407583.1 and 165 more transcripts); c.323A>C, p.Glu108Ala (NM_001407646.1, NM_001407647.1, NM_001408408.1); c.254A>C, p.Glu85Ala (NM_001407653.1, NM_001407654.1, NM_001407655.1 and 21 more transcripts); c.191A>C, p.Glu64Ala (NM_001407692.1, NM_001407694.1, NM_001407695.1 and 99 more transcripts); c.-50A>C (NM_001407959.1, NM_001407960.1, NM_001407962.1 and 4 more transcripts); c.200A>C, p.Glu67Ala (NM_001408451.1); short protein forms E111A, E64A, E85A, E108A, E41A, E67A.
Identifiers: ClinVar variation 54844 (VCV000054844.27), dbSNP rs80357312, ClinGen allele CA002154.